The following is an entry in ClinVar:

NM_002474.3(MYH11):c.-10A>G

Gene: MYH11 (myosin heavy chain 11; minus strand). Cytogenetic location: 16p13.11.
Variant type: single nucleotide variant.
Coding change: c.-10A>G on transcript NM_002474.3 (MANE Select); 10 bases upstream of the start codon, A replaced by G.
Molecular consequence: 5 prime UTR variant.
Genome position (GRCh38, 1-based): chr16:15,838,262, T>C on the plus strand (A>G on the coding strand, the complement: MYH11 is on the minus strand). VCF-style: chr16-15838262-T-C. GRCh37 (hg19) VCF-style: chr16-15932119-T-C.
Other names: c.-10A>G (NM_001040113.2, NM_001040114.2, NM_022844.3).
Identifiers: ClinVar variation 3074697 (VCV003074697.1), dbSNP rs2507039423, ClinGen allele CA2825002406.

ClinVar aggregate classification (germline): Likely benign (1 of 4 stars; one submission).

Conditions:
Familial thoracic aortic aneurysm and aortic dissection (TAAD). Also called: Thoracic aortic aneurysms and dissections. Identifiers: Orphanet 91387, MedGen C4707243, MONDO:0019625.

Submission:

All of Us Research Program, National Institutes of Health
Classification: Likely benign for Familial thoracic aortic aneurysm and aortic dissection. Last evaluated: 2023-11-20. Review status: criteria provided, single submitter. Criteria: ACMG Guidelines, 2015. Collection method: clinical testing. Allele origin: germline. Inheritance: Autosomal dominant inheritance. Observed: 1 variant allele, 1 heterozygote.
Comment: This study involves interpretation of variants in research participants for the purpose of population health screening. Participant phenotype was not available at the time of variant classification. Additional details can be found in publication PMID: 35346344, PMCID: PMC8962531